The following is an entry in ClinVar:

NM_002109.6(HARS1):c.100G>C (p.Glu34Gln)

Gene: HARS1 (histidyl-tRNA synthetase 1; minus strand). Cytogenetic location: 5q31.3.
Variant type: single nucleotide variant.
Coding change: c.100G>C on transcript NM_002109.6 (MANE Select); coding-DNA position 100, G replaced by C.
Protein change: p.Glu34Gln; replaces glutamic acid 34 with glutamine.
Molecular consequence: missense variant.
Genome position (GRCh38, 1-based): chr5:140,690,935, C>G on the plus strand (G>C on the coding strand, the complement: HARS1 is on the minus strand). VCF-style: chr5-140690935-C-G. GRCh37 (hg19) VCF-style: chr5-140070520-C-G.
Other names: c.100G>C, p.Glu34Gln (NM_001258040.3, NM_001258041.3, NM_001258042.3 and 2 more transcripts); c.13G>C, p.Glu5Gln (NM_001289094.2); short protein forms E34Q, E5Q.
Identifiers: ClinVar variation 1004832 (VCV001004832.8), dbSNP rs377739193, ClinGen allele CA3444203.
Genomic context (GRCh38, chr5:140,690,935, plus strand): 5'-ATTTCTGTTTGCTTTCATCAGGACCCAGCTGTGCCTTCAGTTTCAGGAGTTTCGCCACCT[C>G]CTCCTCGATCTGTGGAGGGAAAGAAGGCGCTGAGCTATCCATCTGTCACTCTCCTCCCTC-3'
Protein context (NP_002100.2, residues 24-44): QKASAELIEE[Glu34Gln]VAKLLKLKAQ

ClinVar aggregate classification (germline): Uncertain significance (1 of 4 stars; one submission).

Conditions:
Usher syndrome type 3B. Also called: USHER SYNDROME, TYPE IIIB. Identifiers: MedGen C3281066, MONDO:0013788, OMIM 614504.

Allele frequency attached by ClinVar (database versions not stated): gnomAD exomes below 0.00001 and 0.00001; ExAC 0.00002; gnomAD 0.00004; ESP Exome Variant Server 0.00008.
gnomAD v4.1: 7 of 1,595,648 alleles (0.00044%); highest among the groups gnomAD compares: African/African-American, 0.0094%; no homozygotes.

Submission:

Labcorp Genetics (formerly Invitae), Labcorp
Classification: Uncertain significance for Usher syndrome type 3B. Last evaluated: 2023-05-09. Review status: criteria provided, single submitter. Criteria: Invitae Variant Classification Sherloc (09022015). Collection method: clinical testing. Allele origin: germline.
Comment: This sequence change replaces glutamic acid, which is acidic and polar, with glutamine, which is neutral and polar, at codon 34 of the HARS protein (p.Glu34Gln). This variant is present in population databases (rs377739193, gnomAD 0.02%). This variant has not been reported in the literature in individuals affected with HARS-related conditions. ClinVar contains an entry for this variant (Variation ID: 1004832). An algorithm developed to predict the effect of missense changes on protein structure and function (PolyPhen-2) suggests that this variant is likely to be tolerated. In summary, the available evidence is currently insufficient to determine the role of this variant in disease. Therefore, it has been classified as a Variant of Uncertain Significance.